The following is an entry in ClinVar:

ClinVar aggregate classification (germline): Likely benign. Review status: criteria provided, single submitter (1 of 4 stars). 2 submissions from 2 submitters: Likely benign (1). 1 of the submissions does not count toward it. Last evaluated 2024-02-02.

Conditions:
PKD1L1-related disorder. Also called: PKD1L1-related condition.

Allele frequency attached by ClinVar (database versions not stated): TOPMed 0.00001; ExAC 0.00002; gnomAD exomes 0.00002; gnomAD 0.00003; ESP Exome Variant Server 0.00008.
gnomAD v4.1: 29 of 1,613,954 alleles (0.0018%); highest among the groups gnomAD compares: South Asian, 0.0088%; no homozygotes.

Submissions (2):

Labcorp Genetics (formerly Invitae), Labcorp
Classification: Likely benign. Last evaluated: 2024-02-02. Review status: criteria provided, single submitter. Criteria: Invitae Variant Classification Sherloc (09022015). Collection method: clinical testing. Allele origin: germline.

PreventionGenetics, part of Exact Sciences
Classification: Likely benign for PKD1L1-related condition. Last evaluated: 2022-11-18. Review status: no assertion criteria provided. Collection method: clinical testing. Allele origin: germline. Not counted in ClinVar's aggregate classification.
Comment: This variant is classified as likely benign based on ACMG/AMP sequence variant interpretation guidelines (Richards et al. 2015 PMID: 25741868, with internal and published modifications).

NM_138295.5(PKD1L1):c.8052C>T (p.Asp2684=)

Genes: PKD1L1 (polycystin 1 like 1, transient receptor potential channel interacting; minus strand), PKD1L1-AS1 (PKD1L1 antisense RNA 1; plus strand). Cytogenetic location: 7p12.3.
Variant type: single nucleotide variant.
Coding change: c.8052C>T on transcript NM_138295.5 (MANE Select); coding-DNA position 8052, C replaced by T.
Protein change: p.Asp2684=; no amino-acid change (aspartic acid 2684 retained).
Molecular consequence: synonymous variant.
Genome position (GRCh38, 1-based): chr7:47,800,790, G>A on the plus strand (C>T on the coding strand, the complement: PKD1L1 is on the minus strand). VCF-style: chr7-47800790-G-A. GRCh37 (hg19) VCF-style: chr7-47840388-G-A.
Identifiers: ClinVar variation 3054792 (VCV003054792.4), dbSNP rs376568069, ClinGen allele CA4251831.